The following is an entry in ClinVar:

ClinVar aggregate classification (germline): Uncertain significance. Review status: criteria provided, multiple submitters, no conflicts (2 of 4 stars). 4 submissions from 4 submitters: Uncertain significance (3). 1 of the submissions does not count toward it. Last evaluated 2025-09-28.

Conditions:
Hereditary cancer-predisposing syndrome. Also called: Hereditary neoplastic syndrome; Neoplastic Syndromes, Hereditary; Tumor predisposition; Hereditary Cancer Syndrome. Identifiers: Orphanet 140162, MedGen C0027672, MeSH D009386, MONDO:0015356.
Microcephaly, normal intelligence and immunodeficiency (NBS). Also called: IMMUNODEFICIENCY, MICROCEPHALY, AND CHROMOSOMAL INSTABILITY; SEEMANOVA SYNDROME II; Nijmegen breakage syndrome; Microcephaly with normal intelligence immunodeficiency and lymphoreticular malignancies; Nonsyndromal microcephaly autosomal recessive with normal intelligence; Seemanova syndrome 2. Identifiers: Orphanet 647, MedGen C0398791, MONDO:0009623, OMIM 251260.
Aplastic anemia. Identifiers: Orphanet 182040, Orphanet 88, MedGen C0002874, MONDO:0015909, OMIM 609135, HP:0001915.

Submissions (4):

Ambry Genetics
Classification: Uncertain significance for Hereditary cancer-predisposing syndrome. Last evaluated: 2025-09-28. Review status: criteria provided, single submitter. Criteria: Ambry Variant Classification Scheme 2023. Collection method: clinical testing. Allele origin: germline.
Comment: The p.P354L variant (also known as c.1061C>T), located in coding exon 9 of the NBN gene, results from a C to T substitution at nucleotide position 1061. The proline at codon 354 is replaced by leucine, an amino acid with similar properties. This amino acid position is well conserved in available vertebrate species. In addition, this alteration is predicted to be tolerated by in silico analysis. Since supporting evidence is limited at this time, the clinical significance of this alteration remains unclear.

Genome-Nilou Lab
Classification: Uncertain significance for Microcephaly, normal intelligence and immunodeficiency. Last evaluated: 2021-11-07. Review status: criteria provided, single submitter. Criteria: ACMG Guidelines, 2015. Collection method: clinical testing. Allele origin: germline. Affected: no.

Baylor Genetics
Classification: Uncertain significance for Aplastic anemia. Last evaluated: 2021-08-24. Review status: criteria provided, single submitter. Criteria: ACMG Guidelines, 2015. Collection method: clinical testing. Allele origin: unknown. Affected: yes. Study: CSER-TexasKidsCanSeq.
Comment: This variant was determined to be of uncertain significance according to ACMG Guidelines, 2015 [PMID:25741868].

Natera, Inc.
Classification: Uncertain significance for Nijmegen breakage syndrome. Last evaluated: 2021-06-24. Review status: no assertion criteria provided. Collection method: clinical testing. Allele origin: germline. Not counted in ClinVar's aggregate classification.

Literature cited by the submitters: PubMed 27109316 (cited by Ambry Genetics).

NM_002485.5(NBN):c.1061C>T (p.Pro354Leu)

Gene: NBN (nibrin; minus strand). Cytogenetic location: 8q21.3.
Variant type: single nucleotide variant.
Coding change: c.1061C>T on transcript NM_002485.5 (MANE Select); coding-DNA position 1061, C replaced by T.
Protein change: p.Pro354Leu; replaces proline 354 with leucine.
Molecular consequence: missense variant.
Genome position (GRCh38, 1-based): chr8:89,958,788, G>A on the plus strand (C>T on the coding strand, the complement: NBN is on the minus strand). VCF-style: chr8-89958788-G-A. GRCh37 (hg19) VCF-style: chr8-90971016-G-A.
Other names: c.815C>T, p.Pro272Leu (NM_001024688.3); short protein forms P354L, P272L.
Identifiers: ClinVar variation 481868 (VCV000481868.15), dbSNP rs1354459986, ClinGen allele CA371656688.
Genomic context (GRCh38, chr8:89,958,788, plus strand): 5'-GTATCTGCTTGCTCTGATTCTGTGTCAGCTACGTATGTTGTAGTGTTCACTGGGGCGCTT[G>A]GCATTAGTTTTTCATCAACTGACACGCCTTGTGAAAGGCTTGGTCCTGGAGTTGTTGTCT-3'
Protein context (NP_002476.2, residues 344-364): QGVSVDEKLM[Pro354Leu]SAPVNTTTYV